The following is an entry in ClinVar:

ClinVar aggregate classification (germline): Pathogenic (1 of 4 stars; one submission).

Conditions:
Hereditary cancer-predisposing syndrome. Also called: Neoplastic Syndromes, Hereditary; Tumor predisposition; Hereditary Cancer Syndrome; Hereditary neoplastic syndrome. Identifiers: Orphanet 140162, MedGen C0027672, MeSH D009386, MONDO:0015356.

Submission:

Ambry Genetics
Classification: Pathogenic for Hereditary cancer-predisposing syndrome. Last evaluated: 2018-01-04. Review status: criteria provided, single submitter. Criteria: Ambry Variant Classification Scheme 2023. Collection method: clinical testing. Allele origin: germline.
Comment: The p.C615* pathogenic mutation (also known as c.1845T>A), located in coding exon 4 of the MSH6 gene, results from a T to A substitution at nucleotide position 1845. This changes the amino acid from a cysteine to a stop codon within coding exon 4. This alteration is expected to result in loss of function by premature protein truncation or nonsense-mediated mRNA decay. As such, this alteration is interpreted as a disease-causing mutation.

NM_000179.3(MSH6):c.1845T>A (p.Cys615Ter)

Gene: MSH6 (mutS homolog 6; plus strand). Cytogenetic location: 2p16.3.
Variant type: single nucleotide variant.
Coding change: c.1845T>A on transcript NM_000179.3 (MANE Select); coding-DNA position 1845, T replaced by A.
Protein change: p.Cys615Ter; replaces cysteine 615 with a stop codon.
Molecular consequence: nonsense.
Genome position (GRCh38, 1-based): chr2:47,799,828, T>A. VCF-style: chr2-47799828-T-A. GRCh37 (hg19) VCF-style: chr2-48026967-T-A.
Other names: c.1455T>A, p.Cys485Ter (NM_001281492.2); c.939T>A, p.Cys313Ter (NM_001281493.2, NM_001281494.2, NM_001406811.1 and 6 more transcripts); c.1941T>A, p.Cys647Ter (NM_001406795.1, NM_001406802.1); c.1845T>A, p.Cys615Ter (NM_001406796.1, NM_001406798.1, NM_001406800.1 and 3 more transcripts); c.1548T>A, p.Cys516Ter (NM_001406797.1, NM_001406801.1, NM_001406805.1 and 10 more transcripts); c.1320T>A, p.Cys440Ter (NM_001406799.1, NM_001406806.1, NM_001406807.1); c.1767T>A, p.Cys589Ter (NM_001406804.1); c.1851T>A, p.Cys617Ter (NM_001406813.1); and 1 more; short protein forms C440*, C647*, C615*, C313*, C485*, C516*, C559*, C589*.
Identifiers: ClinVar variation 1781235 (VCV001781235.2), dbSNP rs2104371246, ClinGen allele CA346749661.
Genomic context (GRCh38, chr2:47,799,828, plus strand): 5'-ATTTGAAAAAGGAAATCTCTCAAAGGAAACTAAAACAATTCTAAAGAGTTCATTGTCCTG[T>A]TCTCTTCAGGAAGGTCTGATACCCGGCTCCCAGTTTTGGGATGCATCCAAAACTTTGAGA-3'